The following is an entry in ClinVar:

ClinVar aggregate classification (germline): Benign. Review status: criteria provided, multiple submitters, no conflicts (2 of 4 stars). 3 submissions from 3 submitters: Benign (2). 1 of the submissions does not count toward it. Last evaluated 2025-11-24.

Conditions:
DONSON-related disorder. Also called: DONSON-related condition.

Allele frequency attached by ClinVar (database versions not stated): gnomAD exomes 0.00021 and 0.00074; gnomAD 0.00034 and 0.00038; TOPMed 0.00049; ExAC 0.00069; 1000 Genomes Project 30x 0.00109; 1000 Genomes Project 0.00140.
gnomAD v4.1: 390 of 1,614,090 alleles (0.024%); highest among the groups gnomAD compares: East Asian, 0.79%; 4 homozygotes.

Submissions (10):

Labcorp Genetics (formerly Invitae), Labcorp
Classification: Benign. Last evaluated: 2025-11-24. Review status: criteria provided, single submitter. Criteria: Invitae Variant Classification Sherloc (09022015). Collection method: clinical testing. Allele origin: germline.

CeGaT Center for Human Genetics Tuebingen
Classification: Benign. Last evaluated: 2023-10-01. Review status: criteria provided, single submitter. Criteria: CeGaT Center For Human Genetics Tuebingen Variant Classification Criteria Version 2. Collection method: clinical testing. Allele origin: germline. Affected: yes. Observed: 1 variant allele.
Comment: DONSON: BP4, BS1, BS2

PreventionGenetics, part of Exact Sciences
Classification: Benign for DONSON-related condition. Last evaluated: 2019-02-18. Review status: no assertion criteria provided. Collection method: clinical testing. Allele origin: germline. Not counted in ClinVar's aggregate classification.
Comment: This variant is classified as benign based on ACMG/AMP sequence variant interpretation guidelines (Richards et al. 2015 PMID: 25741868, with internal and published modifications).

Dr. Peter K. Rogan Lab, Western University
No classification provided (evidence only). Condition: Uterine corpus endometrial carcinoma. Review status: no classification provided. Collection method: in vitro. Allele origin: not applicable. Functional consequence: retained intron. Not counted in ClinVar's aggregate classification.

Dr. Peter K. Rogan Lab, Western University
No classification provided (evidence only). Condition: Uterine corpus endometrial carcinoma. Review status: no classification provided. Collection method: in vitro. Allele origin: not applicable. Functional consequence: retained intron. Not counted in ClinVar's aggregate classification.

Dr. Peter K. Rogan Lab, Western University
No classification provided (evidence only). Condition: Malignant lymphoma, large B-cell, diffuse. Review status: no classification provided. Collection method: in vitro. Allele origin: not applicable. Functional consequence: retained intron. Not counted in ClinVar's aggregate classification.

Dr. Peter K. Rogan Lab, Western University
No classification provided (evidence only). Condition: Hepatocellular carcinoma. Review status: no classification provided. Collection method: in vitro. Allele origin: not applicable. Functional consequence: retained intron. Not counted in ClinVar's aggregate classification.

Dr. Peter K. Rogan Lab, Western University
No classification provided (evidence only). Condition: Hepatocellular carcinoma. Review status: no classification provided. Collection method: in vitro. Allele origin: not applicable. Functional consequence: retained intron. Not counted in ClinVar's aggregate classification.

Dr. Peter K. Rogan Lab, Western University
No classification provided (evidence only). Condition: Thymoma. Review status: no classification provided. Collection method: in vitro. Allele origin: not applicable. Functional consequence: retained intron. Not counted in ClinVar's aggregate classification.

Dr. Peter K. Rogan Lab, Western University
No classification provided (evidence only). Condition: Thymoma. Review status: no classification provided. Collection method: in vitro. Allele origin: not applicable. Functional consequence: retained intron. Not counted in ClinVar's aggregate classification.

NM_017613.4(DONSON):c.1388G>T (p.Gly463Val)

Gene: DONSON (DNA replication fork stabilization factor DONSON; minus strand). Cytogenetic location: 21q22.11.
Variant type: single nucleotide variant.
Coding change: c.1388G>T on transcript NM_017613.4 (MANE Select); coding-DNA position 1388, G replaced by T.
Protein change: p.Gly463Val; replaces glycine 463 with valine.
Molecular consequence: missense variant.
Genome position (GRCh38, 1-based): chr21:33,579,525, C>A on the plus strand (G>T on the coding strand, the complement: DONSON is on the minus strand). VCF-style: chr21-33579525-C-A. GRCh37 (hg19) VCF-style: chr21-34951831-C-A.
Other names: c.1388G>T (NM_017613.3); short protein forms G463V.
Identifiers: ClinVar variation 1565389 (VCV001565389.34), dbSNP rs190773441, ClinGen allele CA10010324.